The following is an entry in ClinVar:

ClinVar aggregate classification (germline): Likely pathogenic (1 of 4 stars; one submission).

Submission:

GeneDx
Classification: Likely pathogenic. Last evaluated: 2017-11-16. Review status: criteria provided, single submitter. Criteria: GeneDx Variant Classification (06012015). Collection method: clinical testing. Allele origin: germline. Affected: yes.
Comment: The c.2073_2076delTGAC variant in the CLCN5 gene has not been reported previously as a pathogenic variant nor as a benign variant, to our knowledge. The c.2073_2076delTGAC variant causes a frameshift starting with codon Aspartic acid 692, changes this amino acid to a Leucine residue, and creates a premature Stop codon at position 7 of the new reading frame, denoted p.Asp692LeufsX7. This variant is predicted to cause loss of normal protein function through protein truncation. The c.2073_2076delTGAC variant is not observed in large population cohorts (Lek et al., 2016). We interpret c.2073_2076delTGAC as a likely pathogenic variant.

NM_001127898.4(CLCN5):c.2283_2286del (p.Asp762fs)

Genes: CLCN5 (chloride voltage-gated channel 5; plus strand), LOC126863258 (BRD4-independent group 4 enhancer GRCh37_chrX:49854497-49855696; plus strand). Cytogenetic location: Xp11.23.
Variant type: Microsatellite.
Coding change: c.2283_2286del on transcript NM_001127898.4 (MANE Select); coding-DNA positions 2283 to 2286, 4 bases deleted (TGAC; older notation c.2283_2286delTGAC).
Protein change: p.Asp762fs; shifts the reading frame from aspartic acid 762.
Molecular consequence: frameshift variant.
Genome position (GRCh38, 1-based): chrX:50,090,809-50,090,812, TGAC deleted; deleting any 4 consecutive bases within chrX:50,090,805-50,090,812 gives the same sequence; the c. name uses the placement nearest the transcript's 3' end. VCF-style (leftmost placement, unchanged base first): chrX-50090804-GTGAC-G. GRCh37 (hg19) VCF-style: chrX-49855461-GTGAC-G.
Other names: c.2073_2076del, p.Asp692fs (NM_000084.5); c.2283_2286del, p.Asp762fs (NM_001127899.4); c.2133_2136del, p.Asp712fs (NM_001282163.2); short protein forms D762fs, D692fs, D712fs.
Identifiers: ClinVar variation 503836 (VCV000503836.2), dbSNP rs1557194719, ClinGen allele CA658799747.